The following is an entry in ClinVar:

NM_001079866.2(BCS1L):c.865C>A (p.Leu289Ile)

Gene: BCS1L (BCS1 ubiquinol-cytochrome c reductase complex chaperone; plus strand). Cytogenetic location: 2q35.
Variant type: single nucleotide variant.
Coding change: c.865C>A on transcript NM_001079866.2 (MANE Select); coding-DNA position 865, C replaced by A.
Protein change: p.Leu289Ile; replaces leucine 289 with isoleucine.
Molecular consequence: missense variant. On other transcripts: non-coding transcript variant (1).
Genome position (GRCh38, 1-based): chr2:218,662,655, C>A. VCF-style: chr2-218662655-C-A. GRCh37 (hg19) VCF-style: chr2-219527378-C-A.
Other names: c.865C>A, p.Leu289Ile (NM_001257342.2, NM_001257343.2, NM_001257344.2 and 10 more transcripts); c.505C>A, p.Leu169Ile (NM_001318836.2, NM_001371451.1); c.364C>A, p.Leu122Ile (NM_001371452.1, NM_001371453.1, NM_001371454.1 and 3 more transcripts); short protein forms L289I, L169I, L122I.
Identifiers: ClinVar variation 1932156 (VCV001932156.3), dbSNP rs1386499826, ClinGen allele CA350630629.

ClinVar aggregate classification (germline): Uncertain significance. Review status: criteria provided, multiple submitters, no conflicts (2 of 4 stars). 2 submissions from 2 submitters: Uncertain significance (2). Last evaluated 2024-01-23.

Conditions:
Pili torti-deafness syndrome (BJS). Also called: Bjornstad syndrome; PILI TORTI AND NERVE DEAFNESS. Identifiers: Orphanet 123, MedGen C0266006, MONDO:0009872, OMIM 262000.
GRACILE syndrome (FLNMS). Also called: FELLMAN SYNDROME; FINNISH LETHAL NEONATAL METABOLIC SYNDROME. Identifiers: Orphanet 53693, MedGen C1864002, MONDO:0011308, OMIM 603358.
Mitochondrial complex III deficiency nuclear type 1. Identifiers: Orphanet 254902, MedGen C3541471, MONDO:0007415, OMIM 124000.

Allele frequency attached by ClinVar (database versions not stated): gnomAD exomes below 0.00001.
gnomAD v4.1: 2 of 1,614,158 alleles (0.00012%); highest among the groups gnomAD compares: Admixed American, 0.0017%; no homozygotes.

Submissions (2):

Fulgent Genetics
Classification: Uncertain significance for Mitochondrial complex III deficiency nuclear type 1; Pili torti-deafness syndrome; GRACILE syndrome. Last evaluated: 2024-01-23. Review status: criteria provided, single submitter. Criteria: ACMG Guidelines, 2015. Collection method: clinical testing. Allele origin: germline.

Labcorp Genetics (formerly Invitae), Labcorp
Classification: Uncertain significance. Last evaluated: 2022-06-27. Review status: criteria provided, single submitter. Criteria: Invitae Variant Classification Sherloc (09022015). Collection method: clinical testing. Allele origin: germline.
Comment: This sequence change replaces leucine, which is neutral and non-polar, with isoleucine, which is neutral and non-polar, at codon 289 of the BCS1L protein (p.Leu289Ile). This variant is present in population databases (no rsID available, gnomAD 0.003%). This variant has not been reported in the literature in individuals affected with BCS1L-related conditions. Advanced modeling of protein sequence and biophysical properties (such as structural, functional, and spatial information, amino acid conservation, physicochemical variation, residue mobility, and thermodynamic stability) performed at Invitae indicates that this missense variant is not expected to disrupt BCS1L protein function. In summary, the available evidence is currently insufficient to determine the role of this variant in disease. Therefore, it has been classified as a Variant of Uncertain Significance.